The following is an entry in ClinVar:

ClinVar aggregate classification (germline): Conflicting classifications of pathogenicity. Review status: criteria provided, conflicting classifications (1 of 4 stars). 3 submissions from 3 submitters: Uncertain significance (2); Likely benign (1). Last evaluated 2025-10-12.

Conditions:
Hereditary breast ovarian cancer syndrome. Also called: Hereditary breast and ovarian cancer; Hereditary breast and ovarian cancer syndrome (HBOC); Breast and ovarian cancer; Hereditary breast and ovarian cancer syndrome; Hereditary breast and/or ovarian cancer syndrome; BRCA1- and BRCA2-Associated Hereditary Breast and Ovarian Cancer. Identifiers: Orphanet 145, MedGen C0677776, MeSH D061325, MONDO:0003582. Disease mechanism: loss of function.
Breast-ovarian cancer, familial, susceptibility to, 2 (BROVCA2). Also called: BRCA2 Hereditary Breast and Ovarian Cancer. Identifiers: Orphanet 145, MedGen C2675520, MONDO:0012933, OMIM 612555. Disease mechanism: loss of function.
Hereditary cancer-predisposing syndrome. Also called: Neoplastic Syndromes, Hereditary; Hereditary Cancer Syndrome; Tumor predisposition; Hereditary neoplastic syndrome. Identifiers: Orphanet 140162, MedGen C0027672, MeSH D009386, MONDO:0015356.

gnomAD v4.1: 1 of 1,613,810 alleles (0.000062%); highest among the groups gnomAD compares: South Asian, 0.0011%; no homozygotes.

Submissions (3):

Labcorp Genetics (formerly Invitae), Labcorp
Classification: Uncertain significance for Hereditary breast ovarian cancer syndrome. Last evaluated: 2025-10-12. Review status: criteria provided, single submitter. Criteria: Invitae Variant Classification Sherloc (09022015). Collection method: clinical testing. Allele origin: germline.
Comment: This sequence change replaces proline, which is neutral and non-polar, with threonine, which is neutral and polar, at codon 2608 of the BRCA2 protein (p.Pro2608Thr). This variant is not present in population databases (gnomAD no frequency). This variant has not been reported in the literature in individuals affected with BRCA2-related conditions. ClinVar contains an entry for this variant (Variation ID: 1432151). Invitae Evidence Modeling of protein sequence and biophysical properties (such as structural, functional, and spatial information, amino acid conservation, physicochemical variation, residue mobility, and thermodynamic stability) indicates that this missense variant is not expected to disrupt BRCA2 protein function with a negative predictive value of 95%. In summary, the available evidence is currently insufficient to determine the role of this variant in disease. Therefore, it has been classified as a Variant of Uncertain Significance.

Molecular Pathology, Peter Maccallum Cancer Centre
Classification: Uncertain significance for Breast-ovarian cancer, familial, susceptibility to, 2. Last evaluated: 2025-06-04. Review status: criteria provided, single submitter. Criteria: ACMG Guidelines, 2015. Collection method: clinical testing. Allele origin: germline. Inheritance: Autosomal dominant inheritance.

Ambry Genetics
Classification: Likely benign for Hereditary cancer-predisposing syndrome. Last evaluated: 2025-05-19. Review status: criteria provided, single submitter. Criteria: Ambry Variant Classification Scheme 2023. Collection method: clinical testing. Allele origin: germline.

Literature cited by the submitters: PubMed 30287823 (cited by Ambry Genetics).

NM_000059.4(BRCA2):c.7822C>A (p.Pro2608Thr)

Gene: BRCA2 (BRCA2 DNA repair associated; plus strand). Cytogenetic location: 13q13.1.
Variant type: single nucleotide variant.
Coding change: c.7822C>A on transcript NM_000059.4 (MANE Select); coding-DNA position 7822, C replaced by A.
Protein change: p.Pro2608Thr; replaces proline 2608 with threonine.
Molecular consequence: missense variant.
Genome position (GRCh38, 1-based): chr13:32,362,539, C>A. VCF-style: chr13-32362539-C-A. GRCh37 (hg19) VCF-style: chr13-32936676-C-A.
Other names: c.7822C>A (NM_000059.3); short protein forms P2608T.
Identifiers: ClinVar variation 1432151 (VCV001432151.10), dbSNP rs879255308, ClinGen allele CA387746987.